The following is an entry in ClinVar:

ClinVar aggregate classification (germline): Likely benign (1 of 4 stars; one submission).

Submission:

GeneDx
Classification: Likely benign. Last evaluated: 2018-01-29. Review status: criteria provided, single submitter. Criteria: GeneDx Variant Classification (06012015). Collection method: clinical testing. Allele origin: germline. Affected: yes.
Comment: This variant is considered likely benign or benign based on one or more of the following criteria: it is a conservative change, it occurs at a poorly conserved position in the protein, it is predicted to be benign by multiple in silico algorithms, and/or has population frequency not consistent with disease.

NM_001130438.3(SPTAN1):c.4146+20delinsAC

Gene: SPTAN1 (spectrin alpha, non-erythrocytic 1; plus strand). Cytogenetic location: 9q34.11.
Variant type: Indel.
Coding change: c.4146+20delinsAC on transcript NM_001130438.3 (MANE Select); 20 bases into the intron after coding-DNA position 4146, G replaced by AC.
Molecular consequence: intron variant.
Genome position (GRCh38, 1-based): chr9:128,607,723, G replaced by AC. VCF-style: chr9-128607723-G-AC. GRCh37 (hg19) VCF-style: chr9-131370002-G-AC.
Other names: c.4146+20delinsAC (NM_001363759.2, NM_003127.4); c.4086+20delinsAC (NM_001363765.2, NM_001195532.2).
Identifiers: ClinVar variation 517668 (VCV000517668.1), dbSNP rs1554757479, ClinGen allele CA658797283.
Genomic context (GRCh38, chr9:128,607,723, plus strand): 5'-AGGATGTCACCGGAGCTGAGGCATTGCTGGAGCGACACCAGGTGGGTGGACCTGCCTGCT[G>AC]AGTAGCAAAGACGTGGCTGCTCTGCAGGGCCCTAGAGGCCTCATTCCCACCCTTTGTGGT-3'